The following is an entry in ClinVar:

ClinVar aggregate classification (germline): Uncertain significance. Review status: criteria provided, multiple submitters, no conflicts (2 of 4 stars). 9 submissions from 9 submitters: Uncertain significance (9). Last evaluated 2025-09-16.

Conditions:
Hereditary nonpolyposis colorectal neoplasms. Identifiers: MedGen C0009405, MeSH D003123.
Mismatch repair cancer syndrome 1 (MMRCS1). Also called: BRAIN TUMOR-POLYPOSIS SYNDROME 1; BTP1 SYNDROME; CHILDHOOD CANCER SYNDROME; MISMATCH REPAIR DEFICIENCY; MMR DEFICIENCY. Identifiers: Orphanet 252202, MedGen C5399763, MONDO:0010159, OMIM 276300. Disease mechanism: loss of function.
Lynch syndrome 4 (LYNCH4). Also called: Colorectal cancer, hereditary nonpolyposis, type 4; Hereditary non-polyposis colorectal cancer, type 4. Identifiers: Orphanet 144, MedGen C1838333, MONDO:0013699, OMIM 614337. Disease mechanism: loss of function.
Lynch syndrome. Identifiers: Orphanet 144, MedGen C4552100, MONDO:0005835. Disease mechanism: loss of function.
Hereditary cancer-predisposing syndrome. Also called: Hereditary neoplastic syndrome; Hereditary Cancer Syndrome; Neoplastic Syndromes, Hereditary; Tumor predisposition. Identifiers: Orphanet 140162, MedGen C0027672, MeSH D009386, MONDO:0015356.

Allele frequency attached by ClinVar (database versions not stated): gnomAD exomes below 0.00001 and 0.00002; TOPMed below 0.00001; ExAC 0.00002.
gnomAD v4.1: 3 of 1,594,312 alleles (0.00019%); highest among the groups gnomAD compares: Non-Finnish European, 0.00017%; no homozygotes.

Submissions (9):

Women's Health and Genetics/Laboratory Corporation of America, LabCorp
Classification: Uncertain significance. Last evaluated: 2025-09-16. Review status: criteria provided, single submitter. Criteria: LabCorp Variant Classification Summary - May 2015. Collection method: clinical testing. Allele origin: germline.
Comment: Variant summary: PMS2 c.328G>T (p.Ala110Ser) results in a conservative amino acid change in the encoded protein sequence. Algorithms developed to predict the effect of missense changes on protein structure and function are either unavailable or do not agree on the potential impact of this missense change. The variant allele was found at a frequency of 1.7e-05 in 235996 control chromosomes. The available data on variant occurrences in the general population are insufficient to allow any conclusion about variant significance. c.328G>T has been observed in individual(s) affected with Polyps and Breast Cancer (Paduano_2022, Bhai_2021). These report(s) do not provide unequivocal conclusions about association of the variant with Lynch Syndrome. To our knowledge, no experimental evidence demonstrating an impact on protein function has been reported. The following publications have been ascertained in the context of this evaluation (PMID: 34326862, 35886069). ClinVar contains an entry for this variant (Variation ID: 234814). Based on the evidence outlined above, the variant was classified as uncertain significance.

Ambry Genetics
Classification: Uncertain significance for Hereditary cancer-predisposing syndrome. Last evaluated: 2025-01-24. Review status: criteria provided, single submitter. Criteria: Ambry Variant Classification Scheme 2023. Collection method: clinical testing. Allele origin: germline.
Comment: The p.A110S variant (also known as c.328G>T), located in coding exon 4 of the PMS2 gene, results from a G to T substitution at nucleotide position 328. The alanine at codon 110 is replaced by serine, an amino acid with similar properties. This alteration has been observed in one individual from a cohort of patients with Cowden/Cowden-like (CS/CS-like) and Bannayan-Riley-Ruvalcaba syndromes (BRRS) without PTEN mutations (Yehia L et al. PLoS Genet., 2018 04;14:e1007352). This alteration was also detected in 2 individuals diagnosed with breast cancer from 104 cases of familial cancer in an Italian cohort (Paduano F et al. Genes (Basel), 2022 Jul;13:). This amino acid position is highly conserved in available vertebrate species. In addition, this alteration is predicted to be deleterious by in silico analysis. Based on the available evidence, the clinical significance of this variant remains unclear.

Baylor Genetics
Classification: Uncertain significance for Lynch syndrome 4. Last evaluated: 2023-12-11. Review status: criteria provided, single submitter. Criteria: ACMG Guidelines, 2015. Collection method: clinical testing. Allele origin: unknown.

Labcorp Genetics (formerly Invitae), Labcorp
Classification: Uncertain significance for Hereditary nonpolyposis colorectal neoplasms. Last evaluated: 2023-09-15. Review status: criteria provided, single submitter. Criteria: Invitae Variant Classification Sherloc (09022015). Collection method: clinical testing. Allele origin: germline.
Comment: Advanced modeling of protein sequence and biophysical properties (such as structural, functional, and spatial information, amino acid conservation, physicochemical variation, residue mobility, and thermodynamic stability) performed at Invitae indicates that this missense variant is expected to disrupt PMS2 protein function. In summary, the available evidence is currently insufficient to determine the role of this variant in disease. Therefore, it has been classified as a Variant of Uncertain Significance. ClinVar contains an entry for this variant (Variation ID: 234814). This variant has not been reported in the literature in individuals affected with PMS2-related conditions. This variant is present in population databases (rs767775907, gnomAD 0.003%). This sequence change replaces alanine, which is neutral and non-polar, with serine, which is neutral and polar, at codon 110 of the PMS2 protein (p.Ala110Ser).

GeneDx
Classification: Uncertain significance. Last evaluated: 2023-06-16. Review status: criteria provided, single submitter. Criteria: GeneDx Variant Classification Process June 2021. Collection method: clinical testing. Allele origin: germline. Affected: yes.
Comment: Not observed at a significant frequency in large population cohorts (gnomAD); In silico analysis supports that this missense variant has a deleterious effect on protein structure/function; Observed in individuals with breast cancer (Yehia et al., 2018; Paduano et al., 2022); This variant is associated with the following publications: (PMID: 35886069, 11574484, 29684080)

All of Us Research Program, National Institutes of Health
Classification: Uncertain significance for Lynch syndrome. Last evaluated: 2023-05-15. Review status: criteria provided, single submitter. Criteria: ACMG Guidelines, 2015. Collection method: clinical testing. Allele origin: germline. Inheritance: Autosomal dominant inheritance. Observed: 4 variant alleles, 4 heterozygotes.
Comment: This missense variant replaces alanine with serine at codon 110 of the PMS2 protein. Computational prediction suggests that this variant may have deleterious impact on protein structure and function (internally defined REVEL score threshold >= 0.7, PMID: 27666373). To our knowledge, functional studies have not been reported for this variant. This variant has been reported in individuals affected with breast cancer (PMID: 29684080, 35886069). This variant has been identified in 4/235996 chromosomes in the general population by the Genome Aggregation Database (gnomAD). The available evidence is insufficient to determine the role of this variant in disease conclusively. Therefore, this variant is classified as a Variant of Uncertain Significance.

This study involves interpretation of variants in research participants for the purpose of population health screening. Participant phenotype was not available at the time of variant classification. Additional details can be found in publication PMID: 35346344, PMCID: PMC8962531

Color Diagnostics, LLC DBA Color Health
Classification: Uncertain significance for Hereditary cancer-predisposing syndrome. Last evaluated: 2023-04-06. Review status: criteria provided, single submitter. Criteria: ACMG Guidelines, 2015. Collection method: clinical testing. Allele origin: germline.
Comment: This missense variant replaces alanine with serine at codon 110 of the PMS2 protein. Computational prediction suggests that this variant may have deleterious impact on protein structure and function (internally defined REVEL score threshold >= 0.7, PMID: 27666373). To our knowledge, functional studies have not been reported for this variant. This variant has been reported in individuals affected with breast cancer (PMID: 29684080, 35886069). This variant has been identified in 4/235996 chromosomes in the general population by the Genome Aggregation Database (gnomAD). The available evidence is insufficient to determine the role of this variant in disease conclusively. Therefore, this variant is classified as a Variant of Uncertain Significance.

Department of Pathology and Laboratory Medicine, Sinai Health System
Classification: Uncertain significance for Lynch syndrome. Last evaluated: 2022-02-01. Review status: criteria provided, single submitter. Criteria: ACMG Guidelines, 2015. Collection method: clinical testing. Allele origin: germline. Affected: yes.

Fulgent Genetics
Classification: Uncertain significance for Mismatch repair cancer syndrome 1; Lynch syndrome 4. Last evaluated: 2018-10-31. Review status: criteria provided, single submitter. Criteria: ACMG Guidelines, 2015. Collection method: clinical testing. Allele origin: unknown.

Literature cited by the submitters: PubMed 35886069 (cited by 4 submitters); PubMed 34326862 (cited by Women's Health and Genetics/Laboratory Corporation of America, LabCorp); PubMed 29684080 (cited by 4 submitters).

NM_000535.7(PMS2):c.328G>T (p.Ala110Ser)

Gene: PMS2 (PMS1 homolog 2, mismatch repair system component; minus strand). Cytogenetic location: 7p22.1.
Variant type: single nucleotide variant.
Coding change: c.328G>T on transcript NM_000535.7 (MANE Select); coding-DNA position 328, G replaced by T.
Protein change: p.Ala110Ser; replaces alanine 110 with serine.
Molecular consequence: missense variant. On other transcripts: 5 prime UTR variant (9), non-coding transcript variant (1), intron variant (2).
Genome position (GRCh38, 1-based): chr7:6,003,715, C>A on the plus strand (G>T on the coding strand, the complement: PMS2 is on the minus strand). VCF-style: chr7-6003715-C-A. GRCh37 (hg19) VCF-style: chr7-6043346-C-A.
Other names: c.-78G>T (NM_001322003.2, NM_001322004.2, NM_001322005.2 and 3 more transcripts); c.328G>T, p.Ala110Ser (NM_001322006.2, NM_001322014.2); c.-557G>T (NM_001322011.2, NM_001322012.2); c.-157G>T (NM_001322015.2); c.35+257G>T (NM_001322008.2, NM_001322007.2); short protein forms A110S.
Identifiers: ClinVar variation 234814 (VCV000234814.26), dbSNP rs767775907, ClinGen allele CA049194.